The following is an entry in ClinVar:

ClinVar aggregate classification (germline): Uncertain significance (1 of 4 stars; one submission).

Submission:

GeneDx
Classification: Uncertain significance. Last evaluated: 2017-05-30. Review status: criteria provided, single submitter. Criteria: GeneDx Variant Classification (06012015). Collection method: clinical testing. Allele origin: germline. Affected: yes.
Comment: A variant of uncertain significance has been identified in the NIPA1 gene. The S24T variant has not been published as a pathogenic variant, nor has it been reported as a benign variant to our knowledge. The S24T variant is not observed in large population cohorts (Lek et al., 2016; 1000 Genomes Consortium et al., 2015; Exome Variant Server). This substitution occurs at a position that is conserved in mammals. However, the S24T variant is a conservative amino acid substitution, which is not likely to impact secondary protein structure as these residues share similar properties. In silico analysis predicts this variant likely does not alter the protein structure/function. Therefore, based on the currently available information, it is unclear whether this variant is a pathogenic variant or a rare benign variant.

NM_144599.5(NIPA1):c.71G>C (p.Ser24Thr)

Genes: NIPA1 (NIPA magnesium transporter 1; plus strand), LOC130056709 (ATAC-STARR-seq lymphoblastoid silent region 6259; plus strand). Cytogenetic location: 15q11.2.
Variant type: single nucleotide variant.
Coding change: c.71G>C on transcript NM_144599.5 (MANE Select); coding-DNA position 71, G replaced by C.
Protein change: p.Ser24Thr; replaces serine 24 with threonine.
Molecular consequence: missense variant. On other transcripts: intron variant (1).
Genome position (GRCh38, 1-based): chr15:22,786,727, G>C. VCF-style: chr15-22786727-G-C. GRCh37 (hg19) VCF-style: chr15-23086341-C-G.
Other names: c.-48+479G>C (NM_001142275.1); short protein forms S24T.
Identifiers: ClinVar variation 430546 (VCV000430546.2), dbSNP rs1131692016, ClinGen allele CA391298482.